The following is an entry in ClinVar:

NM_001366057.1(OTUD4):c.487A>G (p.Met163Val)

Gene: OTUD4 (OTU deubiquitinase 4; minus strand). Cytogenetic location: 4q31.21.
Variant type: single nucleotide variant.
Coding change: c.487A>G on transcript NM_001366057.1 (MANE Select); coding-DNA position 487, A replaced by G.
Protein change: p.Met163Val; replaces methionine 163 with valine.
Molecular consequence: missense variant.
Genome position (GRCh38, 1-based): chr4:145,162,649, T>C on the plus strand (A>G on the coding strand, the complement: OTUD4 is on the minus strand). VCF-style: chr4-145162649-T-C. GRCh37 (hg19) VCF-style: chr4-146083801-T-C.
Other names: c.292A>G, p.Met98Val (NM_001102653.1, NM_017493.7); c.487A>G, p.Met163Val (NM_001366058.1); short protein forms M163V, M98V.
Identifiers: ClinVar variation 4563593 (VCV004563593.2).

ClinVar aggregate classification (germline): Uncertain significance. Review status: criteria provided, multiple submitters, no conflicts (2 of 4 stars). 2 submissions from 2 submitters: Uncertain significance (2). Last evaluated 2026-07-19.

Conditions:
Congenital hypogonadotropic hypogonadism. Identifiers: Orphanet 174590, MedGen C3899503, MONDO:0015770.

Submissions (2):

Department of Pediatrics, Asan Medical Center, University of Ulsan College of Medicine
Classification: Uncertain significance for Congenital hypogonadotropic hypogonadism. Last evaluated: 2026-07-19. Review status: criteria provided, single submitter. Criteria: ACMG Guidelines, 2015. Collection method: research. Allele origin: germline. Inheritance: Autosomal recessive inheritance. Affected: yes. Observed: 1 compound heterozygote.
Comment: ACMG/AMP evidence codes: PM2_Supporting, BP4. In silico predictions: CADD 9.799, PolyPhen-2 benign, SIFT tolerated, REVEL 0.06, MutationTaster disease causing. gnomAD MAF (East Asian): 9.34e-05. Novel variant.

Ambry Genetics
Classification: Uncertain significance. Last evaluated: 2025-11-26. Review status: criteria provided, single submitter. Criteria: Ambry Variant Classification Scheme 2023. Collection method: clinical testing. Allele origin: germline.